The following is an entry in ClinVar:

NM_000093.5(COL5A1):c.1498C>T (p.Pro500Ser)

Gene: COL5A1 (collagen type V alpha 1 chain; plus strand). Cytogenetic location: 9q34.3.
Variant type: single nucleotide variant.
Coding change: c.1498C>T on transcript NM_000093.5 (MANE Select); coding-DNA position 1498, C replaced by T.
Protein change: p.Pro500Ser; replaces proline 500 with serine.
Molecular consequence: missense variant.
Genome position (GRCh38, 1-based): chr9:134,750,545, C>T. VCF-style: chr9-134750545-C-T. GRCh37 (hg19) VCF-style: chr9-137642391-C-T.
Other names: c.1498C>T, p.Pro500Ser (NM_001278074.1); short protein forms P500S.
Identifiers: ClinVar variation 3685807 (VCV003685807.5).

ClinVar aggregate classification (germline): Uncertain significance. Review status: criteria provided, multiple submitters, no conflicts (2 of 4 stars). 3 submissions from 3 submitters: Uncertain significance (3). Last evaluated 2025-01-29.

Conditions:
Ehlers-Danlos syndrome, classic type, 1 (EDSCL1). Also called: Ehlers-Danlos Syndrome, Classic Type, COL5A1-Related; Ehlers-Danlos syndrome, type 1; EHLERS-DANLOS SYNDROME, GRAVIS TYPE; EHLERS-DANLOS SYNDROME, SEVERE CLASSIC TYPE; EDS I. Identifiers: MedGen C0268335, MONDO:0019567, OMIM 130000.
Fibromuscular dysplasia, multifocal. Identifiers: MedGen C5543412, MONDO:0859151, OMIM 619329.

gnomAD v4.1: 3 of 1,613,628 alleles (0.00019%); highest among the groups gnomAD compares: South Asian, 0.0011%; no homozygotes.

Submissions (3):

Labcorp Genetics (formerly Invitae), Labcorp
Classification: Uncertain significance for Ehlers-Danlos syndrome, classic type, 1. Last evaluated: 2025-01-29. Review status: criteria provided, single submitter. Criteria: Invitae Variant Classification Sherloc (09022015). Collection method: clinical testing. Allele origin: germline.
Comment: This sequence change replaces proline, which is neutral and non-polar, with serine, which is neutral and polar, at codon 500 of the COL5A1 protein (p.Pro500Ser). This variant is present in population databases (rs754755873, gnomAD 0.003%). This variant has not been reported in the literature in individuals affected with COL5A1-related conditions. Invitae Evidence Modeling of protein sequence and biophysical properties (such as structural, functional, and spatial information, amino acid conservation, physicochemical variation, residue mobility, and thermodynamic stability) indicates that this missense variant is not expected to disrupt COL5A1 protein function with a negative predictive value of 80%. In summary, the available evidence is currently insufficient to determine the role of this variant in disease. Therefore, it has been classified as a Variant of Uncertain Significance.

Blueprint Genetics
Classification: Uncertain significance. Last evaluated: 2018-07-09. Review status: criteria provided, single submitter. Criteria: ACMG Guidelines, 2015. Collection method: clinical testing. Allele origin: germline.

Juno Genomics, Hangzhou Juno Genomics, Inc
Classification: Uncertain significance for Ehlers-Danlos syndrome, classic type, 1; Fibromuscular dysplasia, multifocal. Review status: criteria provided, single submitter. Criteria: ACMG Guidelines, 2015. Collection method: clinical testing. Allele origin: germline.
Comment: Absent from controls (or at extremely low frequency if recessive) in Genome Aggregation Database.;Missense variant in a gene that has a low rate of benign missense variation.;Multiple lines of computational evidence support a deleterious effect on the gene or gene product.